The following is an entry in ClinVar:

NM_001367561.1(DOCK7):c.2735A>T (p.Asp912Val)

Gene: DOCK7 (dedicator of cytokinesis 7; minus strand). Cytogenetic location: 1p31.3.
Variant type: single nucleotide variant.
Coding change: c.2735A>T on transcript NM_001367561.1 (MANE Select); coding-DNA position 2735, A replaced by T.
Protein change: p.Asp912Val; replaces aspartic acid 912 with valine.
Molecular consequence: missense variant.
Genome position (GRCh38, 1-based): chr1:62,552,763, T>A on the plus strand (A>T on the coding strand, the complement: DOCK7 is on the minus strand). VCF-style: chr1-62552763-T-A. GRCh37 (hg19) VCF-style: chr1-63018434-T-A.
Other names: c.2735A>T, p.Asp912Val (NM_001271999.2, NM_001272000.2, NM_001272001.2 and 2 more transcripts); short protein forms D912V.
Identifiers: ClinVar variation 1307739 (VCV001307739.5), dbSNP rs780210369, ClinGen allele CA886188.
Genomic context (GRCh38, chr1:62,552,763, plus strand): 5'-AAATTTACAGATGCATGTCTTCAGTTTACCTTACTCCCGATGATTGATCGAACTTCATCA[T>A]CTGGTGACGTGGGAGTCCCAGATATATCTGGATTGCTATTACTAAGGCTTCGAGAACGAT-3'
Protein context (NP_001354490.1, residues 902-922): PDISGTPTSP[Asp912Val]DEVRSIIGSK

ClinVar aggregate classification (germline): Uncertain significance. Review status: criteria provided, multiple submitters, no conflicts (2 of 4 stars). 2 submissions from 2 submitters: Uncertain significance (2). Last evaluated 2026-08-22.

Conditions:
Developmental and epileptic encephalopathy, 23 (DEE23). Also called: Epileptic encephalopathy, early infantile, 23. Identifiers: Orphanet 411986, MedGen C4014492, MONDO:0014371, OMIM 615859.

Allele frequency attached by ClinVar (database versions not stated): gnomAD 0.00001; gnomAD exomes 0.00001; TOPMed 0.00002; ExAC 0.00002.
gnomAD v4.1: 10 of 1,613,062 alleles (0.00062%); highest among the groups gnomAD compares: Non-Finnish European, 0.00085%; no homozygotes.

Submissions (2):

GeneDx
Classification: Uncertain significance. Last evaluated: 2026-08-22. Review status: criteria provided, single submitter. Criteria: GeneDx Variant Classification Process June 2021. Collection method: clinical testing. Allele origin: germline.
Comment: Not observed at significant frequency in large population cohorts (gnomAD); In silico analysis supports that this missense variant has a deleterious effect on protein structure/function; Has not been previously published as pathogenic or benign to our knowledge

Labcorp Genetics (formerly Invitae), Labcorp
Classification: Uncertain significance for Developmental and epileptic encephalopathy, 23. Last evaluated: 2024-05-28. Review status: criteria provided, single submitter. Criteria: Invitae Variant Classification Sherloc (09022015). Collection method: clinical testing. Allele origin: germline.
Comment: This sequence change replaces aspartic acid, which is acidic and polar, with valine, which is neutral and non-polar, at codon 912 of the DOCK7 protein (p.Asp912Val). This variant is present in population databases (rs780210369, gnomAD 0.002%). This variant has not been reported in the literature in individuals affected with DOCK7-related conditions. ClinVar contains an entry for this variant (Variation ID: 1307739). Advanced modeling of protein sequence and biophysical properties (such as structural, functional, and spatial information, amino acid conservation, physicochemical variation, residue mobility, and thermodynamic stability) has been performed at Invitae for this missense variant, however the output from this modeling did not meet the statistical confidence thresholds required to predict the impact of this variant on DOCK7 protein function. In summary, the available evidence is currently insufficient to determine the role of this variant in disease. Therefore, it has been classified as a Variant of Uncertain Significance.